The following is an entry in ClinVar:

NM_001379286.1(ZNF423):c.807C>T (p.Asp269=)

Gene: ZNF423 (zinc finger protein 423; minus strand). Cytogenetic location: 16q12.1.
Variant type: single nucleotide variant.
Coding change: c.807C>T on transcript NM_001379286.1 (MANE Select); coding-DNA position 807, C replaced by T.
Protein change: p.Asp269=; no amino-acid change (aspartic acid 269 retained).
Molecular consequence: synonymous variant.
Genome position (GRCh38, 1-based): chr16:49,638,369, G>A on the plus strand (C>T on the coding strand, the complement: ZNF423 is on the minus strand). VCF-style: chr16-49638369-G-A. GRCh37 (hg19) VCF-style: chr16-49672280-G-A.
Other names: c.783C>T (NM_015069.4); c.603C>T, p.Asp201= (NM_001271620.2); c.432C>T, p.Asp144= (NM_001330533.2); c.783C>T, p.Asp261= (NM_015069.5).
Identifiers: ClinVar variation 197820 (VCV000197820.17), dbSNP rs145503941, ClinGen allele CA246170.

ClinVar aggregate classification (germline): Conflicting classifications of pathogenicity. Review status: criteria provided, conflicting classifications (1 of 4 stars). 4 submissions from 4 submitters: Uncertain significance (1); Benign (1); Likely benign (1). 1 of the submissions does not count toward it. Last evaluated 2026-01-27.

Conditions:
ZNF423-related disorder. Also called: ZNF423-related condition.
Nephronophthisis 14 (NPHP14). Identifiers: Orphanet 2318, MedGen C3539071, MONDO:0013916, OMIM 614844.

Allele frequency attached by ClinVar (database versions not stated): ExAC 0.00025; 1000 Genomes Project 0.00040; 1000 Genomes Project 30x 0.00047; gnomAD 0.00092 and 0.00101; TOPMed 0.00107; ESP Exome Variant Server 0.00115.
gnomAD v4.1: 261 of 1,614,030 alleles (0.016%); highest among the groups gnomAD compares: African/African-American, 0.31%; no homozygotes.

Submissions (4):

Labcorp Genetics (formerly Invitae), Labcorp
Classification: Benign for Nephronophthisis 14. Last evaluated: 2026-01-27. Review status: criteria provided, single submitter. Criteria: Invitae Variant Classification Sherloc (09022015). Collection method: clinical testing. Allele origin: germline.

Blueprint Genetics
Classification: Likely benign. Last evaluated: 2024-11-12. Review status: criteria provided, single submitter. Criteria: ACMG Guidelines, 2015. Collection method: clinical testing. Allele origin: germline.

Eurofins Ntd Llc (ga)
Classification: Uncertain significance. Last evaluated: 2014-07-29. Review status: criteria provided, single submitter. Criteria: EGL Classification Definitions 2015. Collection method: clinical testing. Allele origin: germline. Observed: 2 variant alleles, 2 heterozygotes.

PreventionGenetics, part of Exact Sciences
Classification: Likely benign for ZNF423-related condition. Last evaluated: 2024-05-29. Review status: no assertion criteria provided. Collection method: clinical testing. Allele origin: germline. Not counted in ClinVar's aggregate classification.
Comment: This variant is classified as likely benign based on ACMG/AMP sequence variant interpretation guidelines (Richards et al. 2015 PMID: 25741868, with internal and published modifications).